The following is an entry in ClinVar:

NM_173660.5(DOK7):c.1384A>G (p.Ser462Gly)

Gene: DOK7 (docking protein 7; plus strand). Cytogenetic location: 4p16.3.
Variant type: single nucleotide variant.
Coding change: c.1384A>G on transcript NM_173660.5 (MANE Select); coding-DNA position 1384, A replaced by G.
Protein change: p.Ser462Gly; replaces serine 462 with glycine.
Molecular consequence: missense variant. On other transcripts: 3 prime UTR variant (1).
Genome position (GRCh38, 1-based): chr4:3,493,370, A>G. VCF-style: chr4-3493370-A-G. GRCh37 (hg19) VCF-style: chr4-3495097-A-G.
Other names: c.*605A>G (NM_001164673.2); c.454A>G, p.Ser152Gly (NM_001256896.2); c.1384A>G, p.Ser462Gly (NM_001301071.2); c.952A>G, p.Ser318Gly (NM_001363811.2); short protein forms S152G, S318G, S462G.
Identifiers: ClinVar variation 1017337 (VCV001017337.4), dbSNP rs771017173, ClinGen allele CA2829495.

ClinVar aggregate classification (germline): Uncertain significance (1 of 4 stars; one submission).

Conditions:
Fetal akinesia deformation sequence 1 (FADS1). Also called: Fetal akinesia sequence; Pena-Shokeir syndrome type I. Identifiers: Orphanet 994, MedGen C1276035, MONDO:0100101, OMIM 208150, HP:0001989.
Congenital myasthenic syndrome 10. Also called: Myasthenia, limb-girdle, familial. Identifiers: Orphanet 590, MedGen C1850792, MONDO:0009690, OMIM 254300.

Allele frequency attached by ClinVar (database versions not stated): gnomAD exomes 0.00001; TOPMed 0.00002; ExAC 0.00003; gnomAD 0.00003 and 0.00004.
gnomAD v4.1: 21 of 1,596,378 alleles (0.0013%); highest among the groups gnomAD compares: African/African-American, 0.004%; no homozygotes.

Submission:

Labcorp Genetics (formerly Invitae), Labcorp
Classification: Uncertain significance for Congenital myasthenic syndrome 10; Fetal akinesia deformation sequence 1. Last evaluated: 2021-09-08. Review status: criteria provided, single submitter. Criteria: Invitae Variant Classification Sherloc (09022015). Collection method: clinical testing. Allele origin: germline.
Comment: This sequence change replaces serine with glycine at codon 462 of the DOK7 protein (p.Ser462Gly). The serine residue is moderately conserved and there is a small physicochemical difference between serine and glycine. This variant is present in population databases (rs771017173, ExAC 0.006%). This variant has not been reported in the literature in individuals affected with DOK7-related conditions. Algorithms developed to predict the effect of missense changes on protein structure and function output the following: SIFT: "Tolerated"; PolyPhen-2: "Benign"; Align-GVGD: "Class C0". The glycine amino acid residue is found in multiple mammalian species, which suggests that this missense change does not adversely affect protein function. In summary, the available evidence is currently insufficient to determine the role of this variant in disease. Therefore, it has been classified as a Variant of Uncertain Significance.